The following is an entry in ClinVar:

NM_006231.4(POLE):c.2946T>G (p.Ile982Met)

Gene: POLE (DNA polymerase epsilon, catalytic subunit; minus strand). Cytogenetic location: 12q24.33.
Variant type: single nucleotide variant.
Coding change: c.2946T>G on transcript NM_006231.4 (MANE Select); coding-DNA position 2946, T replaced by G.
Protein change: p.Ile982Met; replaces isoleucine 982 with methionine.
Molecular consequence: missense variant.
Genome position (GRCh38, 1-based): chr12:132,661,083, A>C on the plus strand (T>G on the coding strand, the complement: POLE is on the minus strand). VCF-style: chr12-132661083-A-C. GRCh37 (hg19) VCF-style: chr12-133237669-A-C.
Other names: short protein forms I982M.
Identifiers: ClinVar variation 964775 (VCV000964775.9), dbSNP rs2042668819, ClinGen allele CA387392552.

ClinVar aggregate classification (germline): Uncertain significance (1 of 4 stars; one submission).

Submission:

Labcorp Genetics (formerly Invitae), Labcorp
Classification: Uncertain significance. Last evaluated: 2019-10-18. Review status: criteria provided, single submitter. Criteria: Invitae Variant Classification Sherloc (09022015). Collection method: clinical testing. Allele origin: germline.
Comment: In summary, the available evidence is currently insufficient to determine the role of this variant in disease. Therefore, it has been classified as a Variant of Uncertain Significance. Algorithms developed to predict the effect of missense changes on protein structure and function are either unavailable or do not agree on the potential impact of this missense change (SIFT: "Deleterious"; PolyPhen-2: "Possibly Damaging"; Align-GVGD: "Class C0"). This variant has not been reported in the literature in individuals with POLE-related conditions. This variant is not present in population databases (ExAC no frequency). This sequence change replaces isoleucine with methionine at codon 982 of the POLE protein (p.Ile982Met). The isoleucine residue is highly conserved and there is a small physicochemical difference between isoleucine and methionine.